The following is an entry in ClinVar:

NM_000040.3(APOC3):c.179+4C>T

Gene: APOC3 (apolipoprotein C3; plus strand). Cytogenetic location: 11q23.3.
Variant type: single nucleotide variant.
Coding change: c.179+4C>T on transcript NM_000040.3 (MANE Select); 4 bases into the intron after coding-DNA position 179, C replaced by T.
Molecular consequence: intron variant.
Genome position (GRCh38, 1-based): chr11:116,830,900, C>T. VCF-style: chr11-116830900-C-T. GRCh37 (hg19) VCF-style: chr11-116701616-C-T.
Identifiers: ClinVar variation 4748038 (VCV004748038.1).
Genomic context (GRCh38, chr11:116,830,900, plus strand): 5'-GACCGCCAAGGATGCACTGAGCAGCGTGCAGGAGTCCCAGGTGGCCCAGCAGGCCAGGTA[C>T]ACCCGCTGGCCTCCCTCCCCATCCCCCCTGCCAGCTGCCTCCATTCCCACCCGCCCCTGC-3'

ClinVar aggregate classification (germline): Uncertain significance (1 of 4 stars; one submission).

Submission:

Labcorp Genetics (formerly Invitae), Labcorp
Classification: Uncertain significance. Last evaluated: 2025-02-12. Review status: criteria provided, single submitter. Criteria: Invitae Variant Classification Sherloc (09022015). Collection method: clinical testing. Allele origin: germline.
Comment: This sequence change falls in intron 3 of the APOC3 gene. It does not directly change the encoded amino acid sequence of the APOC3 protein. It affects a nucleotide within the consensus splice site. This variant is not present in population databases (gnomAD no frequency). This variant has not been reported in the literature in individuals affected with APOC3-related conditions. Variants that disrupt the consensus splice site are a relatively common cause of aberrant splicing (PMID: 17576681, 9536098). Algorithms developed to predict the effect of sequence changes on RNA splicing suggest that this variant is not likely to affect RNA splicing. In summary, the available evidence is currently insufficient to determine the role of this variant in disease. Therefore, it has been classified as a Variant of Uncertain Significance.

Literature cited by the submitters: PubMed 17576681; PubMed 9536098.